The following is an entry in ClinVar:

NM_000478.6(ALPL):c.206C>T (p.Ala69Val)

Gene: ALPL (alkaline phosphatase, biomineralization associated; plus strand). Cytogenetic location: 1p36.12.
Variant type: single nucleotide variant.
Coding change: c.206C>T on transcript NM_000478.6 (MANE Select); coding-DNA position 206, C replaced by T.
Protein change: p.Ala69Val; replaces alanine 69 with valine.
Molecular consequence: missense variant. On other transcripts: intron variant (1).
Genome position (GRCh38, 1-based): chr1:21,561,121, C>T. VCF-style: chr1-21561121-C-T. GRCh37 (hg19) VCF-style: chr1-21887614-C-T.
Other names: c.41C>T, p.Ala14Val (NM_001127501.4); c.206C>T, p.Ala69Val (NM_001369803.2, NM_001369804.2, NM_001369805.2); c.66+376C>T (NM_001177520.3); short protein forms A14V, A69V.
Identifiers: ClinVar variation 3252075 (VCV003252075.2), dbSNP rs2545292067.

ClinVar aggregate classification (germline): Uncertain significance. Review status: criteria provided, multiple submitters, no conflicts (2 of 4 stars). 2 submissions from 2 submitters: Uncertain significance (2). Last evaluated 2026-09-01.

Conditions:
Hypophosphatasia. Also called: Phosphoethanol-aminuria. Identifiers: Orphanet 436, MedGen C0020630, MeSH D007014, MONDO:0018570.

Submissions (2):

Genomenon, Inc
Classification: Uncertain significance for Hypophosphatasia. Last evaluated: 2026-09-01. Review status: criteria provided, single submitter. Criteria: Genomenon Sequence Variant Interpretation Standards - Updated. Collection method: curation. Allele origin: germline. Affected: no.
Comment: ALPL p.Ala69Val (c.206C>T) is a missense variant that changes the amino acid at codon 69 from Alanine to Valine. This variant has been reported in the published literature (PMID:41042986;38884565;40386289). It is absent or not present at a significant frequency in gnomAD. In silico models predict that this variant is possibly or probably damaging. In conclusion, we classify ALPL p.Ala69Val (c.206C>T) as a variant of uncertain significance.

JKU Lab, Dept of Paediatrics, Johannes Kepler University
Classification: Uncertain significance for Hypophosphatasia. Last evaluated: 2024-06-11. Review status: criteria provided, single submitter. Criteria: ACMG Guidelines, 2015. Collection method: clinical testing. Allele origin: germline. Affected: yes.
Comment: The variant is absent from GnomAD. The ACMG criteria applied can be looked up in the ALPL gene variant database.

Literature cited by the submitters: PubMed 41042986 (cited by Genomenon, Inc); PubMed 38884565 (cited by Genomenon, Inc and JKU Lab, Dept of Paediatrics, Johannes Kepler University); PubMed 40386289 (cited by Genomenon, Inc).